The following is an entry in ClinVar:

ClinVar aggregate classification (germline): Pathogenic/Likely pathogenic. Review status: criteria provided, multiple submitters, no conflicts (2 of 4 stars). 4 submissions from 4 submitters: Pathogenic (1); Likely pathogenic (3). Last evaluated 2025-12-01.

Conditions:
Autosomal dominant keratitis-ichthyosis-hearing loss syndrome. Also called: Senter syndrome; KID SYNDROME, AUTOSOMAL DOMINANT; HID SYNDROME. Identifiers: Orphanet 477, MedGen C0265336, MONDO:0007850, OMIM 148210.
Autosomal recessive nonsyndromic hearing loss 1A (DFNB1A). Also called: GJB6-Related DFNB 1 Nonsyndromic Hearing Loss and Deafness; Deafness, autosomal recessive 1A; Connexin 26 deafness; Deafness nonsyndromic, Connexin 26 linked; GJB2-Related Autosomal Recessive Nonsyndromic Hearing Loss; Nonsyndromic Hearing Loss and Deafness, DFNB1. Identifiers: Orphanet 90636, MedGen C2673759, MONDO:0009076, OMIM 220290.
Knuckle pads, deafness AND leukonychia syndrome. Also called: Bart-Pumphrey syndrome. Identifiers: Orphanet 2698, MedGen C0266004, MONDO:0007866, OMIM 149200.
Autosomal dominant nonsyndromic hearing loss 3A. Identifiers: Orphanet 90635, MedGen C2675750, MONDO:0011103, OMIM 601544.
Mutilating keratoderma (VOWNKL). Also called: Keratoderma hereditarium mutilans. Identifiers: Orphanet 494, MedGen C0265964, MONDO:0007422, OMIM 124500.
Ichthyosis, hystrix-like, with hearing loss. Also called: Hystrix-like ichthyosis with deafness. Identifiers: Orphanet 477, MedGen C1865234, MONDO:0011245.
Palmoplantar keratoderma-deafness syndrome. Also called: Keratoderma palmoplantar, with deafness; Palmoplantar keratoderma and sensorineural deafness; Hereditary palmoplantar keratoderma with deafness (subtype); Focal palmoplantar keratoderma with sensorineural deafness (subtype); Diffuse palmoplantar keratoderma with deafness (subtype). Identifiers: Orphanet 2202, MedGen C1835672, MONDO:0007852, OMIM 148350.

Submissions (4):

CeGaT Center for Human Genetics Tuebingen
Classification: Likely pathogenic. Last evaluated: 2025-12-01. Review status: criteria provided, single submitter. Criteria: CeGaT Center For Human Genetics Tuebingen Variant Classification Criteria Version 2. Collection method: clinical testing. Allele origin: germline. Affected: yes. Observed: 1 variant allele.
Comment: GJB2: PVS1:Strong, PM2

GeneDx
Classification: Likely pathogenic. Last evaluated: 2025-08-04. Review status: criteria provided, single submitter. Criteria: GeneDx Variant Classification Process June 2021. Collection method: clinical testing. Allele origin: germline. Affected: yes.
Comment: Identified with a second pathogenic variant (phase unknown) in patients with nonsyndromic hearing loss in published literature (PMID: 19366456); Frameshift variant predicted to result in protein truncation, as the last 175 amino acids are replaced with 28 different amino acids, and other loss-of-function variants have been reported downstream in HGMD; Not observed at significant frequency in large population cohorts (gnomAD); This variant is associated with the following publications: (PMID: 19197336, 18167282, 19366456, 19744334, 21122151)

Fulgent Genetics
Classification: Likely pathogenic for Mutilating keratoderma; Autosomal dominant keratitis-ichthyosis-hearing loss syndrome; Palmoplantar keratoderma-deafness syndrome; Knuckle pads, deafness AND leukonychia syndrome; Autosomal recessive nonsyndromic hearing loss 1A; Autosomal dominant nonsyndromic hearing loss 3A. Last evaluated: 2024-05-10. Review status: criteria provided, single submitter. Criteria: ACMG Guidelines, 2015. Collection method: clinical testing. Allele origin: germline.

Labcorp Genetics (formerly Invitae), Labcorp
Classification: Pathogenic. Last evaluated: 2023-05-27. Review status: criteria provided, single submitter. Criteria: Invitae Variant Classification Sherloc (09022015). Collection method: clinical testing. Allele origin: germline.
Comment: This premature translational stop signal has been observed in individual(s) with nonsyndromic deafness (PMID: 18167282, 19744334, 21122151). This variant disrupts a region of the GJB2 protein in which other variant(s) (c.Leu213*) have been determined to be pathogenic (PMID: 23141775). This suggests that this is a clinically significant region of the protein, and that variants that disrupt it are likely to be disease-causing. For these reasons, this variant has been classified as Pathogenic. This sequence change creates a premature translational stop signal (p.Val52Alafs*29) in the GJB2 gene. While this is not anticipated to result in nonsense mediated decay, it is expected to disrupt the last 175 amino acid(s) of the GJB2 protein. This variant is not present in population databases (gnomAD no frequency).

Literature cited by the submitters: PubMed 18167282 (cited by Labcorp Genetics (formerly Invitae), Labcorp); PubMed 19744334 (cited by Labcorp Genetics (formerly Invitae), Labcorp); PubMed 21122151 (cited by Labcorp Genetics (formerly Invitae), Labcorp); PubMed 23141775 (cited by Labcorp Genetics (formerly Invitae), Labcorp).

NM_004004.6(GJB2):c.155_158del (p.Val52fs)

Gene: GJB2 (gap junction protein beta 2; minus strand). Cytogenetic location: 13q12.11.
Variant type: Deletion.
Coding change: c.155_158del on transcript NM_004004.6 (MANE Select); coding-DNA positions 155 to 158, 4 bases deleted (TCTG; older notation c.155_158delTCTG).
Protein change: p.Val52fs; shifts the reading frame from valine 52.
Molecular consequence: frameshift variant.
Genome position (GRCh38, 1-based): chr13:20,189,424-20,189,427, CAGA deleted on the plus strand (TCTG on the coding strand, the reverse complement: GJB2 is on the minus strand); deleting any 4 consecutive bases within chr13:20,189,424-20,189,429 gives the same sequence; the c. name uses the placement nearest the transcript's 3' end. VCF-style (leftmost placement, unchanged base first): chr13-20189423-GCAGA-G. GRCh37 (hg19) VCF-style: chr13-20763562-GCAGA-G.
Other names: c.155_158del (NM_004004.5); short protein forms V52fs.
Identifiers: ClinVar variation 2735994 (VCV002735994.10), dbSNP rs2500252635, ClinGen allele CA2695217720.